The following is an entry in ClinVar:

ClinVar aggregate classification (germline): Uncertain significance. Review status: criteria provided, multiple submitters, no conflicts (2 of 4 stars). 2 submissions from 2 submitters: Uncertain significance (2). Last evaluated 2024-09-29.

Allele frequency attached by ClinVar (database versions not stated): gnomAD 0.00001; TOPMed 0.00001; gnomAD exomes 0.00002.
gnomAD v4.1: 28 of 1,613,986 alleles (0.0017%); highest among the groups gnomAD compares: Non-Finnish European, 0.0023%; no homozygotes.

Submissions (2):

Labcorp Genetics (formerly Invitae), Labcorp
Classification: Uncertain significance. Last evaluated: 2024-09-29. Review status: criteria provided, single submitter. Criteria: Invitae Variant Classification Sherloc (09022015). Collection method: clinical testing. Allele origin: germline.
Comment: This sequence change replaces glycine, which is neutral and non-polar, with aspartic acid, which is acidic and polar, at codon 908 of the ADCY10 protein (p.Gly908Asp). This variant is present in population databases (no rsID available, gnomAD 0.003%). This variant has not been reported in the literature in individuals affected with ADCY10-related conditions. ClinVar contains an entry for this variant (Variation ID: 2352661). An algorithm developed to predict the effect of missense changes on protein structure and function outputs the following: PolyPhen-2: "Benign". The aspartic acid amino acid residue is found in multiple mammalian species, which suggests that this missense change does not adversely affect protein function. In summary, the available evidence is currently insufficient to determine the role of this variant in disease. Therefore, it has been classified as a Variant of Uncertain Significance.

Ambry Genetics
Classification: Uncertain significance. Last evaluated: 2021-11-08. Review status: criteria provided, single submitter. Criteria: Ambry Variant Classification Scheme 2023. Collection method: clinical testing. Allele origin: germline.

NM_018417.6(ADCY10):c.2723G>A (p.Gly908Asp)

Gene: ADCY10 (adenylate cyclase 10; minus strand). Cytogenetic location: 1q24.2.
Variant type: single nucleotide variant.
Coding change: c.2723G>A on transcript NM_018417.6 (MANE Select); coding-DNA position 2723, G replaced by A.
Protein change: p.Gly908Asp; replaces glycine 908 with aspartic acid.
Molecular consequence: missense variant.
Genome position (GRCh38, 1-based): chr1:167,845,847, C>T on the plus strand (G>A on the coding strand, the complement: ADCY10 is on the minus strand). VCF-style: chr1-167845847-C-T. GRCh37 (hg19) VCF-style: chr1-167815085-C-T.
Other names: c.2264G>A, p.Gly755Asp (NM_001167749.3); c.2447G>A, p.Gly816Asp (NM_001297772.2); short protein forms G755D, G816D, G908D.
Identifiers: ClinVar variation 2352661 (VCV002352661.4), dbSNP rs1282188700, ClinGen allele CA343082128.